The following is an entry in ClinVar:

ClinVar aggregate classification (germline): Uncertain significance. Review status: criteria provided, multiple submitters, no conflicts (2 of 4 stars). 3 submissions from 3 submitters: Uncertain significance (3). Last evaluated 2023-08-23.

Conditions:
Familial thoracic aortic aneurysm and aortic dissection (TAAD). Also called: Thoracic aortic aneurysms and dissections. Identifiers: Orphanet 91387, MedGen C4707243, MONDO:0019625.
Ehlers-Danlos syndrome, type 4 (EDSVASC). Also called: Ehlers-Danlos syndrome vascular type; Ehlers Danlos syndrome, ecchymotic type; Ehlers Danlos syndrome, arterial type; Ehlers Danlos syndrome, Sack-Barabas type; Ehlers-Danlos Syndrome Type IV. Identifiers: Orphanet 286, MedGen C0268338, MONDO:0017314, OMIM 130050.

Allele frequency attached by ClinVar (database versions not stated): gnomAD exomes below 0.00001; ExAC 0.00002.

Submissions (3):

All of Us Research Program, National Institutes of Health
Classification: Uncertain significance for Ehlers-Danlos syndrome, type 4. Last evaluated: 2023-08-23. Review status: criteria provided, single submitter. Criteria: ACMG Guidelines, 2015. Collection method: clinical testing. Allele origin: germline. Inheritance: Autosomal dominant inheritance. Observed: 1 variant allele, 1 heterozygote.
Comment: This missense variant replaces proline with leucine at codon 181 of the COL3A1 protein. Computational prediction is inconclusive regarding the impact of this variant on protein structure and function (internally defined REVEL score threshold 0.5 < inconclusive < 0.7, PMID: 27666373). To our knowledge, functional studies have not been reported for this variant. This variant has not been reported in individuals affected with cardiovascular disorders in the literature. This variant has not been identified in the general population by the Genome Aggregation Database (gnomAD). The available evidence is insufficient to determine the role of this variant in disease conclusively. Therefore, this variant is classified as a Variant of Uncertain Significance.

This study involves interpretation of variants in research participants for the purpose of population health screening. Participant phenotype was not available at the time of variant classification. Additional details can be found in publication PMID: 35346344, PMCID: PMC8962531

Color Diagnostics, LLC DBA Color Health
Classification: Uncertain significance for Familial thoracic aortic aneurysm and aortic dissection. Last evaluated: 2023-06-23. Review status: criteria provided, single submitter. Criteria: ACMG Guidelines, 2015. Collection method: clinical testing. Allele origin: germline.
Comment: This missense variant replaces proline with leucine at codon 181 of the COL3A1 protein. Computational prediction is inconclusive regarding the impact of this variant on protein structure and function (internally defined REVEL score threshold 0.5 < inconclusive < 0.7, PMID: 27666373). To our knowledge, functional studies have not been reported for this variant. This variant has not been reported in individuals affected with COL3A1-related disorders in the literature. This variant has not been identified in the general population by the Genome Aggregation Database (gnomAD). The available evidence is insufficient to determine the role of this variant in disease conclusively. Therefore, this variant is classified as a Variant of Uncertain Significance.

Labcorp Genetics (formerly Invitae), Labcorp
Classification: Uncertain significance for Ehlers-Danlos syndrome, type 4. Last evaluated: 2023-06-17. Review status: criteria provided, single submitter. Criteria: Invitae Variant Classification Sherloc (09022015). Collection method: clinical testing. Allele origin: germline.
Comment: In summary, the available evidence is currently insufficient to determine the role of this variant in disease. Therefore, it has been classified as a Variant of Uncertain Significance. Advanced modeling of protein sequence and biophysical properties (such as structural, functional, and spatial information, amino acid conservation, physicochemical variation, residue mobility, and thermodynamic stability) performed at Invitae indicates that this missense variant is not expected to disrupt COL3A1 protein function. ClinVar contains an entry for this variant (Variation ID: 1171275). This variant has not been reported in the literature in individuals affected with COL3A1-related conditions. The frequency data for this variant in the population databases is considered unreliable, as metrics indicate poor data quality at this position in the gnomAD database. This sequence change replaces proline, which is neutral and non-polar, with leucine, which is neutral and non-polar, at codon 181 of the COL3A1 protein (p.Pro181Leu).

NM_000090.4(COL3A1):c.542C>T (p.Pro181Leu)

Gene: COL3A1 (collagen type III alpha 1 chain; plus strand). Cytogenetic location: 2q32.2.
Variant type: single nucleotide variant.
Coding change: c.542C>T on transcript NM_000090.4 (MANE Select); coding-DNA position 542, C replaced by T.
Protein change: p.Pro181Leu; replaces proline 181 with leucine.
Molecular consequence: missense variant.
Genome position (GRCh38, 1-based): chr2:188,988,094, C>T. VCF-style: chr2-188988094-C-T. GRCh37 (hg19) VCF-style: chr2-189852820-C-T.
Other names: short protein forms P181L.
Identifiers: ClinVar variation 1171275 (VCV001171275.8), dbSNP rs746628029, ClinGen allele CA076697.